The following is an entry in ClinVar:

ClinVar aggregate classification (germline): Uncertain significance. Review status: criteria provided, multiple submitters, no conflicts (2 of 4 stars). 2 submissions from 2 submitters: Uncertain significance (2). Last evaluated 2026-07-20.

Conditions:
Tuberous sclerosis 1 (TSC1). Identifiers: Orphanet 805, MedGen C1854465, MONDO:0008612, OMIM 191100.
Hereditary cancer-predisposing syndrome. Also called: Tumor predisposition; Hereditary neoplastic syndrome; Neoplastic Syndromes, Hereditary; Hereditary Cancer Syndrome. Identifiers: Orphanet 140162, MedGen C0027672, MeSH D009386, MONDO:0015356.

Submissions (2):

Ambry Genetics
Classification: Uncertain significance for Hereditary cancer-predisposing syndrome. Last evaluated: 2026-07-20. Review status: criteria provided, single submitter. Criteria: Ambry Variant Classification Scheme 2023. Collection method: clinical testing. Allele origin: germline.
Comment: The p.I954V variant (also known as c.2860A>G), located in coding exon 20 of the TSC1 gene, results from an A to G substitution at nucleotide position 2860. The isoleucine at codon 954 is replaced by valine, an amino acid with highly similar properties. This amino acid position is conserved. In addition, this alteration is predicted to be tolerated by in silico analysis. Based on the available evidence, the clinical significance of this variant remains unclear.

Labcorp Genetics (formerly Invitae), Labcorp
Classification: Uncertain significance for Tuberous sclerosis 1. Last evaluated: 2023-12-22. Review status: criteria provided, single submitter. Criteria: Invitae Variant Classification Sherloc (09022015). Collection method: clinical testing. Allele origin: germline.
Comment: This sequence change replaces isoleucine, which is neutral and non-polar, with valine, which is neutral and non-polar, at codon 954 of the TSC1 protein (p.Ile954Val). This variant is not present in population databases (gnomAD no frequency). This variant has not been reported in the literature in individuals affected with TSC1-related conditions. ClinVar contains an entry for this variant (Variation ID: 1719773). Advanced modeling of protein sequence and biophysical properties (such as structural, functional, and spatial information, amino acid conservation, physicochemical variation, residue mobility, and thermodynamic stability) performed at Invitae indicates that this missense variant is not expected to disrupt TSC1 protein function with a negative predictive value of 95%. In summary, the available evidence is currently insufficient to determine the role of this variant in disease. Therefore, it has been classified as a Variant of Uncertain Significance.

NM_000368.5(TSC1):c.2860A>G (p.Ile954Val)

Gene: TSC1 (TSC complex subunit 1; minus strand). Cytogenetic location: 9q34.13.
Variant type: single nucleotide variant.
Coding change: c.2860A>G on transcript NM_000368.5 (MANE Select); coding-DNA position 2860, A replaced by G.
Protein change: p.Ile954Val; replaces isoleucine 954 with valine.
Molecular consequence: missense variant.
Genome position (GRCh38, 1-based): chr9:132,897,299, T>C on the plus strand (A>G on the coding strand, the complement: TSC1 is on the minus strand). VCF-style: chr9-132897299-T-C. GRCh37 (hg19) VCF-style: chr9-135772686-T-C.
Other names: c.2857A>G, p.Ile953Val (NM_001162426.2, NM_001406597.1, NM_001406598.1 and 2 more transcripts); c.2707A>G, p.Ile903Val (NM_001162427.2, NM_001406610.1); c.2497A>G, p.Ile833Val (NM_001362177.2, NM_001406614.1, NM_001406615.1 and 4 more transcripts); c.2860A>G, p.Ile954Val (NM_001406592.1, NM_001406593.1, NM_001406594.1 and 2 more transcripts); c.2704A>G, p.Ile902Val (NM_001406611.1, NM_001406612.1); c.2662A>G, p.Ile888Val (NM_001406613.1); c.1807A>G, p.Ile603Val (NM_001406630.1, NM_001406629.1); c.2845A>G, p.Ile949Val (NM_001406601.1, NM_001406602.1); and 8 more; short protein forms I603V, I636V, I637V, I818V, I819V, I832V, I833V, I888V.
Identifiers: ClinVar variation 1719773 (VCV001719773.6), dbSNP rs2538480888, ClinGen allele CA375368849.